The following is an entry in ClinVar:

ClinVar aggregate classification (germline): Uncertain significance (1 of 4 stars; one submission).

Allele frequency attached by ClinVar (database versions not stated): gnomAD exomes below 0.00001.
gnomAD v4.1: 2 of 1,613,930 alleles (0.00012%); highest among the groups gnomAD compares: Non-Finnish European, 0.00017%; no homozygotes.

Submission:

GeneDx
Classification: Uncertain significance. Last evaluated: 2022-04-26. Review status: criteria provided, single submitter. Criteria: GeneDx Variant Classification Process June 2021. Collection method: clinical testing. Allele origin: germline. Affected: yes.
Comment: Not observed at significant frequency in large population cohorts (gnomAD); In silico analysis supports that this missense variant does not alter protein structure/function; Has not been previously published as pathogenic or benign to our knowledge

NM_017780.4(CHD7):c.4784A>G (p.Gln1595Arg)

Gene: CHD7 (chromodomain helicase DNA binding protein 7; plus strand). Cytogenetic location: 8q12.2.
Variant type: single nucleotide variant.
Coding change: c.4784A>G on transcript NM_017780.4 (MANE Select); coding-DNA position 4784, A replaced by G.
Protein change: p.Gln1595Arg; replaces glutamine 1595 with arginine.
Molecular consequence: missense variant. On other transcripts: intron variant (1).
Genome position (GRCh38, 1-based): chr8:60,841,986, A>G. VCF-style: chr8-60841986-A-G. GRCh37 (hg19) VCF-style: chr8-61754545-A-G.
Other names: c.1717-20243A>G (NM_001316690.1); short protein forms Q1595R.
Identifiers: ClinVar variation 1712886 (VCV001712886.2), dbSNP rs1288121136, ClinGen allele CA371319483.